The following is an entry in ClinVar:

ClinVar aggregate classification (germline): Uncertain significance (1 of 4 stars; one submission).

gnomAD v4.1: 1 of 1,561,086 alleles (0.000064%); highest among the groups gnomAD compares: Non-Finnish European, 0.000087%; no homozygotes.

Submission:

Labcorp Genetics (formerly Invitae), Labcorp
Classification: Uncertain significance. Last evaluated: 2022-02-09. Review status: criteria provided, single submitter. Criteria: Invitae Variant Classification Sherloc (09022015). Collection method: clinical testing. Allele origin: germline.
Comment: In summary, the available evidence is currently insufficient to determine the role of this variant in disease. Therefore, it has been classified as a Variant of Uncertain Significance. Algorithms developed to predict the effect of missense changes on protein structure and function (SIFT, PolyPhen-2, Align-GVGD) all suggest that this variant is likely to be tolerated. This variant has not been reported in the literature in individuals affected with TBCK-related conditions. This variant is not present in population databases (gnomAD no frequency). This sequence change replaces serine, which is neutral and polar, with isoleucine, which is neutral and non-polar, at codon 206 of the TBCK protein (p.Ser206Ile).

NM_001163435.3(TBCK):c.617G>T (p.Ser206Ile)

Gene: TBCK (TBC1 domain containing kinase; minus strand). Cytogenetic location: 4q24.
Variant type: single nucleotide variant.
Coding change: c.617G>T on transcript NM_001163435.3 (MANE Select); coding-DNA position 617, G replaced by T.
Protein change: p.Ser206Ile; replaces serine 206 with isoleucine.
Molecular consequence: missense variant.
Genome position (GRCh38, 1-based): chr4:106,250,459, C>A on the plus strand (G>T on the coding strand, the complement: TBCK is on the minus strand). VCF-style: chr4-106250459-C-A. GRCh37 (hg19) VCF-style: chr4-107171616-C-A.
Other names: c.617G>T, p.Ser206Ile (NM_001163436.4); c.500G>T, p.Ser167Ile (NM_001163437.3); c.101G>T, p.Ser34Ile (NM_001290768.2); c.428G>T, p.Ser143Ile (NM_033115.5); short protein forms S143I, S167I, S206I, S34I.
Identifiers: ClinVar variation 1488002 (VCV001488002.6), dbSNP rs762129038, ClinGen allele CA357825309.